The following is an entry in ClinVar:

ClinVar aggregate classification (germline): Benign. Review status: criteria provided, single submitter (1 of 4 stars). 2 submissions from 1 submitter: Benign (2). Last evaluated 2018-01-13.

Conditions:
Arterial calcification, generalized, of infancy, 1 (GACI1). Also called: Idiopathic Infantile Arterial Calcification. Identifiers: Orphanet 51608, MedGen C4551985, MONDO:0008817, OMIM 208000.
Hypophosphatemic rickets, autosomal recessive, 2 (ARHR2). Identifiers: Orphanet 289176, MedGen C2750078, MONDO:0013219, OMIM 613312.

Allele frequency attached by ClinVar (database versions not stated): gnomAD 0.03506 and 0.03411; 1000 Genomes Project 30x 0.03560; gnomAD exomes 0.03571; TOPMed 0.03759; 1000 Genomes Project 0.03454.
gnomAD v4.1: 5,184 of 152,306 alleles (3.4%); highest among the groups gnomAD compares: African/African-American, 7.6%; 154 homozygotes.

Submissions (2):

Illumina Laboratory Services, Illumina
Classification: Benign for Arterial calcification, generalized, of infancy, 1. Last evaluated: 2018-01-13. Review status: criteria provided, single submitter. Criteria: ICSL Variant Classification Criteria 13 December 2019. Collection method: clinical testing. Allele origin: germline.
Comment: This variant was observed in the ICSL laboratory as part of a predisposition screen in an ostensibly healthy population. It had not been previously curated by ICSL or reported in the Human Gene Mutation Database (HGMD: prior to June 1st, 2018), and was therefore a candidate for classification through an automated scoring system. Utilizing variant allele frequency, disease prevalence and penetrance estimates, and inheritance mode, an automated score was calculated to assess if this variant is too frequent to cause the disease. Based on the score and internal cut-off values, a variant classified as benign is not then subjected to further curation. The score for this variant resulted in a classification of benign for this disease.

Illumina Laboratory Services, Illumina
Classification: Benign for Hypophosphatemic rickets, autosomal recessive, 2. Last evaluated: 2018-01-13. Review status: criteria provided, single submitter. Criteria: ICSL Variant Classification Criteria 13 December 2019. Collection method: clinical testing. Allele origin: germline.
Comment: the same text as in the submission from Illumina Laboratory Services, Illumina above.

NM_006208.3(ENPP1):c.*2036A>G

Gene: ENPP1 (ectonucleotide pyrophosphatase/phosphodiesterase 1; plus strand). Cytogenetic location: 6q23.2.
Variant type: single nucleotide variant.
Coding change: c.*2036A>G on transcript NM_006208.3 (MANE Select); 2036 bases downstream of the stop codon, A replaced by G.
Molecular consequence: 3 prime UTR variant.
Genome position (GRCh38, 1-based): chr6:131,892,547, A>G. VCF-style: chr6-131892547-A-G. GRCh37 (hg19) VCF-style: chr6-132213687-A-G.
Identifiers: ClinVar variation 355399 (VCV000355399.5), dbSNP rs73778611, ClinGen allele CA10625972.